The following is an entry in ClinVar:

NM_001394998.1(TANC2):c.1397G>A (p.Arg466Lys)

Gene: TANC2 (tetratricopeptide repeat, ankyrin repeat and coiled-coil containing 2; plus strand). Cytogenetic location: 17q23.3.
Variant type: single nucleotide variant.
Coding change: c.1397G>A on transcript NM_001394998.1 (MANE Select); coding-DNA position 1397, G replaced by A.
Protein change: p.Arg466Lys; replaces arginine 466 with lysine.
Molecular consequence: missense variant.
Genome position (GRCh38, 1-based): chr17:63,314,625, G>A. VCF-style: chr17-63314625-G-A. GRCh37 (hg19) VCF-style: chr17-61391986-G-A.
Other names: c.1175G>A, p.Arg392Lys (NM_001411076.1, NM_025185.4); short protein forms R392K, R466K.
Identifiers: ClinVar variation 4540180 (VCV004540180.2).

ClinVar aggregate classification (germline): Uncertain significance. Review status: criteria provided, multiple submitters, no conflicts (2 of 4 stars). 2 submissions from 2 submitters: Uncertain significance (2). Last evaluated 2025-06-24.

Submissions (2):

GeneDx
Classification: Uncertain significance. Last evaluated: 2025-06-24. Review status: criteria provided, single submitter. Criteria: GeneDx Variant Classification Process June 2021. Collection method: clinical testing. Allele origin: germline. Affected: yes.
Comment: Not observed at significant frequency in large population cohorts (gnomAD); In silico analysis suggests that this missense variant does not alter protein structure/function; Has not been previously published as pathogenic or benign to our knowledge

Blueprint Genetics
Classification: Uncertain significance. Last evaluated: 2022-08-04. Review status: criteria provided, single submitter. Criteria: ACMG Guidelines, 2015. Collection method: clinical testing. Allele origin: germline.